The following is an entry in ClinVar:

ClinVar aggregate classification (germline): Conflicting classifications of pathogenicity. Review status: criteria provided, conflicting classifications (1 of 4 stars). 5 submissions from 5 submitters: Uncertain significance (3); Likely benign (1). 1 of the submissions does not count toward it. Last evaluated 2026-09-01.

Conditions:
CTU2-related disorder. Also called: CTU2-related condition.
Microcephaly, facial dysmorphism, renal agenesis, and ambiguous genitalia syndrome. Identifiers: MedGen C4748348, MONDO:0020647, OMIM 618142.

Allele frequency attached by ClinVar (database versions not stated): 1000 Genomes Project 30x 0.00016; 1000 Genomes Project 0.00020; ExAC 0.00080; ESP Exome Variant Server 0.00085; gnomAD exomes 0.00087 and 0.00122.
gnomAD v4.1: 1,932 of 1,608,140 alleles (0.12%); highest among the groups gnomAD compares: Non-Finnish European, 0.15%; 3 homozygotes.

Submissions (5):

CeGaT Center for Human Genetics Tuebingen
Classification: Likely benign. Last evaluated: 2026-09-01. Review status: criteria provided, single submitter. Criteria: CeGaT Center For Human Genetics Tuebingen Variant Classification Criteria Version 2. Collection method: clinical testing. Allele origin: germline. Affected: yes. Observed: 2 variant alleles.
Comment: CTU2: BP4, BS2

Ambry Genetics
Classification: Uncertain significance. Last evaluated: 2025-06-09. Review status: criteria provided, single submitter. Criteria: Ambry Variant Classification Scheme 2023. Collection method: clinical testing. Allele origin: germline.

Labcorp Genetics (formerly Invitae), Labcorp
Classification: Uncertain significance. Last evaluated: 2024-12-03. Review status: criteria provided, single submitter. Criteria: Invitae Variant Classification Sherloc (09022015). Collection method: clinical testing. Allele origin: germline.
Comment: This sequence change replaces proline, which is neutral and non-polar, with leucine, which is neutral and non-polar, at codon 204 of the CTU2 protein (p.Pro204Leu). This variant is present in population databases (rs141967170, gnomAD 0.2%), including at least one homozygous and/or hemizygous individual. This variant has not been reported in the literature in individuals affected with CTU2-related conditions. ClinVar contains an entry for this variant (Variation ID: 1521874). An algorithm developed to predict the effect of missense changes on protein structure and function (PolyPhen-2) suggests that this variant¬†is likely to be tolerated. In summary, the available evidence is currently insufficient to determine the role of this variant in disease. Therefore, it has been classified as a Variant of Uncertain Significance.

Fulgent Genetics
Classification: Uncertain significance for Microcephaly, facial dysmorphism, renal agenesis, and ambiguous genitalia syndrome. Last evaluated: 2022-05-02. Review status: criteria provided, single submitter. Criteria: ACMG Guidelines, 2015. Collection method: clinical testing. Allele origin: unknown.

PreventionGenetics, part of Exact Sciences
Classification: Likely benign for CTU2-related condition. Last evaluated: 2022-02-26. Review status: no assertion criteria provided. Collection method: clinical testing. Allele origin: germline. Not counted in ClinVar's aggregate classification.
Comment: This variant is classified as likely benign based on ACMG/AMP sequence variant interpretation guidelines (Richards et al. 2015 PMID: 25741868, with internal and published modifications).

NM_001012759.3(CTU2):c.611C>T (p.Pro204Leu)

Gene: CTU2 (cytosolic thiouridylase subunit 2; plus strand). Cytogenetic location: 16q24.3.
Variant type: single nucleotide variant.
Coding change: c.611C>T on transcript NM_001012759.3 (MANE Select); coding-DNA position 611, C replaced by T.
Protein change: p.Pro204Leu; replaces proline 204 with leucine.
Molecular consequence: missense variant.
Genome position (GRCh38, 1-based): chr16:88,712,779, C>T. VCF-style: chr16-88712779-C-T. GRCh37 (hg19) VCF-style: chr16-88779187-C-T.
Other names: c.611C>T, p.Pro204Leu (NM_001012762.3); c.824C>T, p.Pro275Leu (NM_001318507.2); c.350C>T, p.Pro117Leu (NM_001318513.2); c.611C>T (NM_001012759.1, NM_001012759.2); short protein forms P117L, P204L, P275L.
Identifiers: ClinVar variation 1521874 (VCV001521874.18), dbSNP rs141967170, ClinGen allele CA8230409.